The following is an entry in ClinVar:

NM_015164.4(PLEKHM2):c.2902G>A (p.Gly968Arg)

Gene: PLEKHM2 (pleckstrin homology and RUN domain containing M2; plus strand). Cytogenetic location: 1p36.21.
Variant type: single nucleotide variant.
Coding change: c.2902G>A on transcript NM_015164.4 (MANE Select); coding-DNA position 2902, G replaced by A.
Protein change: p.Gly968Arg; replaces glycine 968 with arginine.
Molecular consequence: missense variant.
Genome position (GRCh38, 1-based): chr1:15,732,708, G>A. VCF-style: chr1-15732708-G-A. GRCh37 (hg19) VCF-style: chr1-16059203-G-A.
Other names: c.2842G>A, p.Gly948Arg (NM_001410755.1); short protein forms G948R, G968R.
Identifiers: ClinVar variation 1980450 (VCV001980450.4), dbSNP rs908837781, ClinGen allele CA338575988.

ClinVar aggregate classification (germline): Uncertain significance (1 of 4 stars; one submission).

Submission:

Labcorp Genetics (formerly Invitae), Labcorp
Classification: Uncertain significance. Last evaluated: 2022-09-23. Review status: criteria provided, single submitter. Criteria: Invitae Variant Classification Sherloc (09022015). Collection method: clinical testing. Allele origin: germline.
Comment: This sequence change replaces glycine, which is neutral and non-polar, with arginine, which is basic and polar, at codon 968 of the PLEKHM2 protein (p.Gly968Arg). This variant is not present in population databases (gnomAD no frequency). This variant has not been reported in the literature in individuals affected with PLEKHM2-related conditions. Algorithms developed to predict the effect of missense changes on protein structure and function (SIFT, PolyPhen-2, Align-GVGD) all suggest that this variant is likely to be tolerated. In summary, the available evidence is currently insufficient to determine the role of this variant in disease. Therefore, it has been classified as a Variant of Uncertain Significance.